The following is an entry in ClinVar:

NC_000006.11:g.(?_72596727)_(72984155_?)dup

Gene: RIMS1 (regulating synaptic membrane exocytosis 1; plus strand). Cytogenetic location: 6q13.
Variant type: Duplication.
Identifiers: ClinVar variation 2426033 (VCV002426033.4).

ClinVar aggregate classification (germline): Uncertain significance (1 of 4 stars; one submission).

Submission:

Labcorp Genetics (formerly Invitae), Labcorp
Classification: Uncertain significance. Last evaluated: 2022-10-13. Review status: criteria provided, single submitter. Criteria: Invitae Variant Classification Sherloc (09022015). Collection method: clinical testing. Allele origin: germline.
Comment: In summary, the available evidence is currently insufficient to determine the role of this variant in disease. Therefore, it has been classified as a Variant of Uncertain Significance. This variant has not been reported in the literature in individuals affected with RIMS1-related conditions. This variant results in a copy number gain of the genomic region encompassing exon(s) 1-23 of the RIMS1 gene. This region includes the initiator codon of the gene. This copy number gain extends beyond the assayed region for this gene and therefore may encompass additional genes. As the precise location of this event is unknown, it may be in tandem or it may be located elsewhere in the genome.